The following is an entry in ClinVar:

ClinVar aggregate classification (germline): Pathogenic/Likely pathogenic; other. Review status: criteria provided, multiple submitters, no conflicts (2 of 4 stars). 28 submissions from 28 submitters: Pathogenic (20); Likely pathogenic (6). 1 of the submissions does not count toward it. Last evaluated 2026-07-22.

Conditions:
Fetal anomalies with a likely genetic cause.
Cystic fibrosis (CF). Also called: MUCOVISCIDOSIS. Identifiers: Orphanet 586, MedGen C0010674, MONDO:0009061, OMIM 219700. Disease mechanism: loss of function.
Bronchiectasis with or without elevated sweat chloride 1 (BESC1). Also called: Cystic Fibrosis-Like Syndrome. Identifiers: Orphanet 60033, MedGen C2749757, MONDO:0008887, OMIM 211400.
Congenital bilateral aplasia of vas deferens from CFTR mutation (CBAVD). Identifiers: Orphanet 48, MedGen C0403814, MONDO:0010178, OMIM 277180. Disease mechanism: loss of function.
Hereditary pancreatitis (PCTT). Also called: Hereditary chronic pancreatitis; PRSS1-Related Hereditary Pancreatitis. Identifiers: Orphanet 676, MedGen C0238339, MONDO:0008185, OMIM 167800.

Allele frequency attached by ClinVar (database versions not stated): ExAC 0.01074; ESP Exome Variant Server 0.00331; gnomAD exomes 0.00861 and 0.00963; gnomAD 0.00886 and 0.00943.
gnomAD v4.1: 15,036 of 1,536,052 alleles (0.98%); highest among the groups gnomAD compares: Middle Eastern, 1.7%; 37 homozygotes.

Submissions 1 to 15 of 41:

Department of Molecular Genetics, Istishari Arab Hospital
Classification: Likely pathogenic for Congenital bilateral aplasia of vas deferens from CFTR mutation. Last evaluated: 2026-07-22. Review status: criteria provided, single submitter. Criteria: ACMG Guidelines, 2015. Collection method: clinical testing. Allele origin: germline. Inheritance: Autosomal recessive inheritance. Affected: yes.
Comment: The CFTR variant c.1210-11T>G represents the TG12–5T (also referred to as 5T;TG12) allele within the polymorphic TG/poly-T tract of the CFTR gene. The 5T tract reduces the efficiency of normal CFTR exon splicing, and its effect is modified by the adjacent number of TG repeats; TG12–5T generally has a greater effect than TG11–5T. The allele has been reported in individuals with CFTR-related disorders, particularly congenital bilateral absence of the vas deferens, pancreatitis and mild pulmonary disease, usually when present in trans with a CF-causing CFTR variant (PMID: 11069835‚ 1381723‚ 14685937‚ 16020494‚ 16263954‚ 17314234‚ 7506096‚ 7684646‚ 7739684‚ 9435322). Its clinical penetrance is reduced, and its expressivity is variable. It is relatively common in population databases, with an allele frequency of approximately 0.98% and 37 homozygotes in gnomAD v4.1.1. Accordingly, this allele should be interpreted as a reduced-penetrance and variable-expressivity CFTR allele rather than as a fully penetrant classic cystic-fibrosis-causing variant. It is classified as likely pathogenic according to the recommendations of ACMG/AMP/ClinGen SVI guidelines.

Institute of Human Genetics, University of Leipzig Medical Center
Classification: Pathogenic for Cystic fibrosis. Last evaluated: 2026-07-22. Review status: criteria provided, single submitter. Criteria: ACMG Guidelines, 2015. Collection method: clinical testing. Allele origin: unknown. Affected: yes.
Comment: Criteria applied: PM3_VSTR,PM4,PS3_SUP

Genetics Laboratory, Great Ormond Street Hospital NHS Foundation Trust, North Thames Genomic Laboratory Hub
Classification: Likely pathogenic for Fetal anomalies with a likely genetic cause. Last evaluated: 2026-02-28. Review status: criteria provided, single submitter. Criteria: ACGS Best Practice Guidelines for Variant Classification in Rare Disease 2024 v1.2. Collection method: clinical testing. Allele origin: germline. Affected: yes.
Comment: BA1_standalone, PP3_supporting, PM3_very-strong

3billion
Classification: Pathogenic for Cystic fibrosis. Last evaluated: 2025-12-18. Review status: criteria provided, single submitter. Criteria: ACMG Guidelines, 2015. Collection method: clinical testing. Allele origin: germline. Affected: yes.
Comment: The variant is observed in the gnomAD v4.1.0 dataset (total allele frequency: 0.979%). Predicted Consequence/Location: Intron variant Functional studies provide strong evidence of the variant having a damaging effect on the gene or gene product (PMID: 10556281, 14685937, 9435322). The variant has been reported to be in trans with a pathogenic variant as either compound heterozygous or homozygous in at least 2 similarly affected unrelated individuals (PMID: 21658649, 25383785, 27469177). The variant has been reported at least twice as pathogenic with clinical assertions and evidence for the classification (ClinVar ID: VCV000178713 /PMID: 28152038 /3billion dataset). Therefore, this variant is classified as Pathogenic according to the recommendation of ACMG/AMP guideline.

CeGaT Center for Human Genetics Tuebingen
Classification: Pathogenic. Last evaluated: 2025-12-01. Review status: criteria provided, single submitter. Criteria: CeGaT Center For Human Genetics Tuebingen Variant Classification Criteria Version 2. Collection method: clinical testing. Allele origin: germline. Affected: yes. Observed: 21 variant alleles.
Comment: CFTR: PM3:Very Strong, PS3:Moderate, PM2:Supporting

Genesolutions, Medical Genetics Institutes, Ho Chi Minh City, Vietnam
Classification: Pathogenic for Cystic fibrosis. Last evaluated: 2025-09-24. Review status: criteria provided, single submitter. Criteria: ACMG Guidelines, 2015. Collection method: clinical testing. Allele origin: germline. Affected: yes.

Variantyx, Inc.
Classification: Pathogenic for Cystic fibrosis. Last evaluated: 2025-03-27. Review status: criteria provided, single submitter. Criteria: Variantyx Assertion Criteria 2022. Collection method: clinical testing. Allele origin: maternal. Inheritance: Autosomal recessive inheritance.
Comment: This is an intronic variant in the CFTR gene (OMIM: 602421). Pathogenic variants in this gene have been associated with autosomal recessive cystic fibrosis. This variant is commonly referred to as 5T, c.1210-12T[5], or c.1210-7_1210-6del. It has been reported in the compound heterozygous state in many unrelated affected individuals with disease severity dependent on the pathogenic variant in trans (PMID:27447098, 14685937, 16778595, (CFTR2 database available at CFTR2) (PM3). Functional studies have shown that this variant alters the splicing of exon 10 (referred to as exon 9 in some studies) and the residual amount of transcript leading to functional CFTR protein is influenced by the number of adjacent TG repeats (TG11, TG12 or TG13) in cis (on the same allele) (PMID: 7691356, 7684641, 10556281, 27469177, 14685937, 21658649, 9435322) (PS3). This variant has a 1.5472% maximum allele frequency in non-founder control populations. Based on the current evidence, this variant is classified as pathogenic for autosomal recessive cystic fibrosis.

Laboratory of Genetics, Children's Clinical University Hospital Latvia
Classification: Pathogenic. Last evaluated: 2025-02-16. Review status: criteria provided, single submitter. Criteria: ACMG Guidelines, 2015. Collection method: clinical testing. Allele origin: germline. Affected: yes.

Medical Genetics Center, Maternal and Child Health Hospital of Hubei Province
Classification: Pathogenic for Cystic fibrosis. Last evaluated: 2025-02-07. Review status: criteria provided, single submitter. Criteria: ACMG Guidelines, 2015. Collection method: clinical testing. Allele origin: maternal. Affected: yes.
Comment: PS3+PS4

Genomic Medicine Center of Excellence, King Faisal Specialist Hospital and Research Centre
Classification: Likely pathogenic for Cystic fibrosis. Last evaluated: 2024-03-26. Review status: criteria provided, single submitter. Criteria: ACMG Guidelines, 2015. Collection method: clinical testing. Allele origin: germline.

Laboratory of Medical Genetics, National & Kapodistrian University of Athens
Classification: Likely pathogenic for Cystic fibrosis. Last evaluated: 2024-02-01. Review status: criteria provided, single submitter. Criteria: ACMG Guidelines, 2015. Collection method: curation. Allele origin: germline. Affected: no.

Neuberg Centre For Genomic Medicine, NCGM
Classification: Pathogenic for Cystic fibrosis. Last evaluated: 2024-02-01. Review status: criteria provided, single submitter. Criteria: ACMG Guidelines, 2015. Collection method: clinical testing. Allele origin: germline. Inheritance: Autosomal recessive inheritance.

ARUP Laboratories, Molecular Genetics and Genomics, ARUP Laboratories
Classification: Pathogenic. Last evaluated: 2023-11-28. Review status: criteria provided, single submitter. Criteria: ARUP Molecular Germline Variant Investigation Process 2024. Collection method: clinical testing. Allele origin: germline.
Comment: The 12TG-5T variant in IVS8 is a mild pathogenic variant. When combined with a pathogenic variant on the other chromosome, this variant is not expected to cause classic cystic fibrosis (CF), but may cause a CFTR-related disorder (i.e., an isolated presentation of pancreatitis, congenital bilateral absence of the vas deferens, or mild lung disease) (CFTR2 database). Link to CFTR2 database

Department of Pathology and Laboratory Medicine, Sinai Health System
Classification: Pathogenic for Congenital bilateral aplasia of vas deferens from CFTR mutation; Cystic fibrosis; Bronchiectasis with or without elevated sweat chloride 1. Last evaluated: 2023-09-13. Review status: criteria provided, single submitter. Criteria: ACMG Guidelines, 2015. Collection method: research. Allele origin: germline.

Illumina Laboratory Services, Illumina
Classification: Pathogenic for Cystic fibrosis. Last evaluated: 2023-05-24. Review status: criteria provided, single submitter. Criteria: ICSLVariantClassificationCriteria RUGD 01 April 2020. Collection method: clinical testing. Allele origin: unknown.

NM_000492.4(CFTR):c.1210-11T>G

Genes: CFTR (CF transmembrane conductance regulator; plus strand), CFTR-AS1 (CFTR antisense RNA 1; minus strand). Cytogenetic location: 7q31.2.
Variant type: single nucleotide variant.
Coding change: c.1210-11T>G on transcript NM_000492.4 (MANE Select); 11 bases into the intron before coding-DNA position 1210, T replaced by G.
Molecular consequence: intron variant.
Genome position (GRCh38, 1-based): chr7:117,548,630, T>G. VCF-style: chr7-117548630-T-G. GRCh37 (hg19) VCF-style: chr7-117188684-T-G.
Other names: 5T;TG13; 5T;TG12; c.1210-12_1210-11delinsTG (NM_000492.3).
Identifiers: ClinVar variation 178713 (VCV000178713.93), dbSNP rs73715573, ClinGen allele CA273555.
Genomic context (GRCh38, chr7:117,548,630, plus strand): 5'-ATTGAAAATATCTGACAAACTCATCTTTTATTTTTGATGTGTGTGTGTGTGTGTGTGTGT[T>G]TTTTTAACAGGGATTTGGGGAATTATTTGAGAAAGCAAAACAAAACAATAACAATAGAAA-3'